The following is an entry in ClinVar:

NM_000701.8(ATP1A1):c.2134G>A (p.Val712Met)

Genes: ATP1A1 (ATPase Na+/K+ transporting subunit alpha 1; plus strand), ATP1A1-AS1 (ATP1A1 antisense RNA 1; minus strand). Cytogenetic location: 1p13.1.
Variant type: single nucleotide variant.
Coding change: c.2134G>A on transcript NM_000701.8 (MANE Select); coding-DNA position 2134, G replaced by A.
Protein change: p.Val712Met; replaces valine 712 with methionine.
Molecular consequence: missense variant.
Genome position (GRCh38, 1-based): chr1:116,398,630, G>A. VCF-style: chr1-116398630-G-A. GRCh37 (hg19) VCF-style: chr1-116941252-G-A.
Other names: c.2134G>A, p.Val712Met (NM_001160233.2); c.2041G>A, p.Val681Met (NM_001160234.2); short protein forms V681M, V712M.
Identifiers: ClinVar variation 5009797 (VCV005009797.1).
Genomic context (GRCh38, chr1:116,398,630, plus strand): 5'-ATCGCTAGGAAAAGTGATTGGTATTAACCCGTTTTCCCTTTTCTGGGGTAGGGTGCTATC[G>A]TGGCTGTGACTGGTGACGGTGTGAATGACTCTCCAGCTTTGAAGAAAGCAGACATTGGGG-3'
Protein context (NP_000692.2, residues 702-722): VEGCQRQGAI[Val712Met]AVTGDGVNDS

ClinVar aggregate classification (germline): Uncertain significance (1 of 4 stars; one submission).

gnomAD v4.1: 3 of 1,613,980 alleles (0.00019%); highest among the groups gnomAD compares: Non-Finnish European, 0.00025%; no homozygotes.

Submission:

GeneDx
Classification: Uncertain significance. Last evaluated: 2026-02-19. Review status: criteria provided, single submitter. Criteria: GeneDx Variant Classification Process June 2021. Collection method: clinical testing. Allele origin: germline.
Comment: Not observed at significant frequency in large population cohorts (gnomAD); In silico analysis suggests that this missense variant does not alter protein structure/function; Has not been previously published as pathogenic or benign to our knowledge